The following is an entry in ClinVar:

ClinVar aggregate classification (germline): Uncertain significance (1 of 4 stars; one submission).

Submission:

CeGaT Center for Human Genetics Tuebingen
Classification: Uncertain significance. Last evaluated: 2025-09-01. Review status: criteria provided, single submitter. Criteria: CeGaT Center For Human Genetics Tuebingen Variant Classification Criteria Version 2. Collection method: clinical testing. Allele origin: germline. Affected: yes. Observed: 1 variant allele.
Comment: TTN: PM2, BP4

NM_001267550.2(TTN):c.67503G>C (p.Met22501Ile)

Genes: TTN-AS1 (TTN antisense RNA 1; plus strand), TTN (titin; minus strand), LOC126806423 (CDK7 strongly-dependent group 2 enhancer GRCh37_chr2:179443309-179444508; plus strand). Cytogenetic location: 2q31.2.
Variant type: single nucleotide variant.
Coding change: c.67503G>C on transcript NM_001267550.2 (MANE Select); coding-DNA position 67503, G replaced by C.
Protein change: p.Met22501Ile; replaces methionine 22501 with isoleucine.
Molecular consequence: missense variant.
Genome position (GRCh38, 1-based): chr2:178,579,694, C>G on the plus strand (G>C on the coding strand, the complement: TTN is on the minus strand). VCF-style: chr2-178579694-C-G. GRCh37 (hg19) VCF-style: chr2-179444421-C-G.
Other names: c.62580G>C, p.Met20860Ile (NM_001256850.1); c.40308G>C, p.Met13436Ile (NM_003319.4); c.59799G>C, p.Met19933Ile (NM_133378.4); c.40683G>C, p.Met13561Ile (NM_133432.3); c.40884G>C, p.Met13628Ile (NM_133437.4); short protein forms M13436I, M13561I, M13628I, M19933I, M20860I, M22501I.
Identifiers: ClinVar variation 4281411 (VCV004281411.7).
Genomic context (GRCh38, chr2:178,579,694, plus strand): 5'-GAAGGTATATTCCTTCCCTTCAGTCAAATCTTTTGCAGAGTACTGTAGGCTTAAGGATTT[C>G]ATAACTCGTTGCCACTTATTTTCTTCAGTCAGGAAATCAACTACATATCCAATAATCCGA-3'
Protein context (NP_001254479.2, residues 22491-22511): LTEENKWQRV[Met22501Ile]KSLSLQYSAK